The following is an entry in ClinVar:

ClinVar aggregate classification (germline): Conflicting classifications of pathogenicity. Review status: criteria provided, conflicting classifications (1 of 4 stars). 2 submissions from 2 submitters: Uncertain significance (1); Likely benign (1). Last evaluated 2023-05-31.

Conditions:
Hereditary breast ovarian cancer syndrome. Also called: Hereditary breast and ovarian cancer; Hereditary breast and/or ovarian cancer syndrome; Hereditary breast and ovarian cancer syndrome; Hereditary breast and ovarian cancer syndrome (HBOC); BRCA1- and BRCA2-Associated Hereditary Breast and Ovarian Cancer; Breast and ovarian cancer. Identifiers: Orphanet 145, MedGen C0677776, MeSH D061325, MONDO:0003582. Disease mechanism: loss of function.
Hereditary cancer-predisposing syndrome. Also called: Tumor predisposition; Hereditary neoplastic syndrome; Neoplastic Syndromes, Hereditary; Hereditary Cancer Syndrome. Identifiers: Orphanet 140162, MedGen C0027672, MeSH D009386, MONDO:0015356.

Submissions (2):

Labcorp Genetics (formerly Invitae), Labcorp
Classification: Uncertain significance for Hereditary breast ovarian cancer syndrome. Last evaluated: 2023-05-31. Review status: criteria provided, single submitter. Criteria: Invitae Variant Classification Sherloc (09022015). Collection method: clinical testing. Allele origin: germline.
Comment: In summary, the available evidence is currently insufficient to determine the role of this variant in disease. Therefore, it has been classified as a Variant of Uncertain Significance. Advanced modeling of protein sequence and biophysical properties (such as structural, functional, and spatial information, amino acid conservation, physicochemical variation, residue mobility, and thermodynamic stability) performed at Invitae indicates that this missense variant is not expected to disrupt BRCA1 protein function. ClinVar contains an entry for this variant (Variation ID: 952637). This variant has not been reported in the literature in individuals affected with BRCA1-related conditions. This variant is not present in population databases (gnomAD no frequency). This sequence change replaces phenylalanine, which is neutral and non-polar, with cysteine, which is neutral and slightly polar, at codon 829 of the BRCA1 protein (p.Phe829Cys).

University of Washington Department of Laboratory Medicine, University of Washington
Classification: Likely benign for Hereditary cancer-predisposing syndrome. Last evaluated: 2023-03-23. Review status: criteria provided, single submitter. Criteria: Dines et al. (Genet Med. 2020). Collection method: curation. Allele origin: germline.
Comment: Missense variant in a coldspot region where missense variants are very unlikely to be pathogenic (PMID:31911673).

BRCA1 coldspot (exon 11 using historical exon numbering). Reclassification based on statistical prior probability

NM_007294.4(BRCA1):c.2486T>G (p.Phe829Cys)

Gene: BRCA1 (BRCA1 DNA repair associated; minus strand). Cytogenetic location: 17q21.31.
Variant type: single nucleotide variant.
Coding change: c.2486T>G on transcript NM_007294.4 (MANE Select); coding-DNA position 2486, T replaced by G.
Protein change: p.Phe829Cys; replaces phenylalanine 829 with cysteine.
Molecular consequence: missense variant. On other transcripts: intron variant (137).
Genome position (GRCh38, 1-based): chr17:43,093,045, A>C on the plus strand (T>G on the coding strand, the complement: BRCA1 is on the minus strand). VCF-style: chr17-43093045-A-C. GRCh37 (hg19) VCF-style: chr17-41245062-A-C.
Other names: c.2222T>G, p.Phe741Cys (NM_001407926.1, NM_001407927.1, NM_001407928.1 and 9 more transcripts); c.2219T>G, p.Phe740Cys (NM_001407930.1, NM_001407931.1, NM_001407932.1 and 2 more transcripts); c.2363T>G, p.Phe788Cys (NM_001407937.1, NM_001407938.1, NM_001407939.1 and 19 more transcripts); c.2360T>G, p.Phe787Cys (NM_001407940.1, NM_001407941.1, NM_001407649.1 and 11 more transcripts); c.2345T>G, p.Phe782Cys (NM_001407942.1, NM_001407944.1, NM_001407945.1 and 29 more transcripts); c.2342T>G, p.Phe781Cys (NM_001407943.1, NM_001407964.1, NM_001407740.1 and 20 more transcripts); c.2153T>G, p.Phe718Cys (NM_001407946.1, NM_001407947.1, NM_001407948.1 and 6 more transcripts); c.2150T>G, p.Phe717Cys (NM_001407954.1, NM_001407955.1, NM_001407956.1 and 1 more transcripts); and 41 more; short protein forms F782C, F829C, F717C, F758C, F803C, F828C, F701C, F718C.
Identifiers: ClinVar variation 952637 (VCV000952637.13), dbSNP rs2053753019, ClinGen allele CA10597029.